The following is an entry in ClinVar:

NM_001457.4(FLNB):c.1399G>A (p.Val467Ile)

Gene: FLNB (filamin B; plus strand). Cytogenetic location: 3p14.3.
Variant type: single nucleotide variant.
Coding change: c.1399G>A on transcript NM_001457.4 (MANE Select); coding-DNA position 1399, G replaced by A.
Protein change: p.Val467Ile; replaces valine 467 with isoleucine.
Molecular consequence: missense variant.
Genome position (GRCh38, 1-based): chr3:58,102,256, G>A. VCF-style: chr3-58102256-G-A. GRCh37 (hg19) VCF-style: chr3-58087983-G-A.
Other names: c.1399G>A, p.Val467Ile (NM_001164317.2, NM_001164318.2, NM_001164319.2); short protein forms V467I.
Identifiers: ClinVar variation 1450373 (VCV001450373.7), dbSNP rs373572801, ClinGen allele CA2467799.

ClinVar aggregate classification (germline): Likely benign. Review status: criteria provided, multiple submitters, no conflicts (2 of 4 stars). 2 submissions from 2 submitters: Likely benign (2). Last evaluated 2026-06-18.

Allele frequency attached by ClinVar (database versions not stated): gnomAD 0.00004; TOPMed 0.00004; ExAC 0.00005; ESP Exome Variant Server 0.00008; gnomAD exomes 0.00006.
gnomAD v4.1: 63 of 1,614,108 alleles (0.0039%); highest among the groups gnomAD compares: Non-Finnish European, 0.0049%; no homozygotes.

Submissions (2):

Women's Health and Genetics/Laboratory Corporation of America, LabCorp
Classification: Likely benign. Last evaluated: 2026-06-18. Review status: criteria provided, single submitter. Criteria: LabCorp Variant Classification Summary - May 2015. Collection method: clinical testing. Allele origin: germline.
Comment: Variant summary: FLNB c.1399G>A (p.Val467Ile) results in a conservative amino acid change in the encoded protein sequence. Algorithms developed to predict the effect of missense changes on protein structure and function are either unavailable or do not agree on the potential impact of this missense change. The variant allele was found at a frequency of 5.6e-05 in 251392 control chromosomes. As the highest allele frequency of a pathogenic variant expected to cause disease for this gene has not been established. Nevertheless, this variant has been observed 14 times in gnomAD and thus is unlikely to be pathogenic for a gene pathogenic variants of which are associated with severe and congenical syndromic disorders. To our knowledge, no occurrence of c.1399G>A in individuals affected with FLNB-related conditions and no experimental evidence demonstrating its impact on protein function have been reported. ClinVar contains an entry for this variant (Variation ID: 1450373). Based on the evidence outlined above, the variant was classified as likely benign.

Labcorp Genetics (formerly Invitae), Labcorp
Classification: Likely benign. Last evaluated: 2025-11-03. Review status: criteria provided, single submitter. Criteria: Invitae Variant Classification Sherloc (09022015). Collection method: clinical testing. Allele origin: germline.